The following is an entry in ClinVar:

ClinVar aggregate classification (germline): Uncertain significance (1 of 4 stars; one submission).

Conditions:
Tuberous sclerosis 2 (TSC2). Identifiers: Orphanet 805, MedGen C1860707, MONDO:0013199, OMIM 613254.

Submission:

Labcorp Genetics (formerly Invitae), Labcorp
Classification: Uncertain significance for Tuberous sclerosis 2. Last evaluated: 2024-04-29. Review status: criteria provided, single submitter. Criteria: Invitae Variant Classification Sherloc (09022015). Collection method: clinical testing. Allele origin: germline.
Comment: This sequence change replaces alanine, which is neutral and non-polar, with serine, which is neutral and polar, at codon 103 of the TSC2 protein (p.Ala103Ser). This variant is not present in population databases (gnomAD no frequency). This variant has not been reported in the literature in individuals affected with TSC2-related conditions. ClinVar contains an entry for this variant (Variation ID: 2055169). Advanced modeling of protein sequence and biophysical properties (such as structural, functional, and spatial information, amino acid conservation, physicochemical variation, residue mobility, and thermodynamic stability) performed at Invitae indicates that this missense variant is not expected to disrupt TSC2 protein function with a negative predictive value of 95%. In summary, the available evidence is currently insufficient to determine the role of this variant in disease. Therefore, it has been classified as a Variant of Uncertain Significance.

NM_000548.5(TSC2):c.307G>T (p.Ala103Ser)

Gene: TSC2 (TSC complex subunit 2; plus strand). Cytogenetic location: 16p13.3.
Variant type: single nucleotide variant.
Coding change: c.307G>T on transcript NM_000548.5 (MANE Select); coding-DNA position 307, G replaced by T.
Protein change: p.Ala103Ser; replaces alanine 103 with serine.
Molecular consequence: missense variant. On other transcripts: intron variant (2).
Genome position (GRCh38, 1-based): chr16:2,053,423, G>T. VCF-style: chr16-2053423-G-T. GRCh37 (hg19) VCF-style: chr16-2103424-G-T.
Other names: c.307G>T, p.Ala103Ser (NM_001406667.1, NM_001406668.1, NM_001406671.1 and 10 more transcripts); c.160G>T, p.Ala54Ser (NM_001406675.1, NM_001406676.1, NM_001406677.1 and 2 more transcripts); c.-510G>T (NM_001406680.1, NM_001406683.1, NM_001406687.1); c.-139G>T (NM_001406681.1); c.340G>T, p.Ala114Ser (NM_001318832.2); c.-1125G>T (NM_001406689.1, NM_001406690.1, NM_001406691.1 and 2 more transcripts); c.-1431G>T (NM_001406693.1); c.-1006G>T (NM_001406694.1, NM_001406695.1); and 4 more; short protein forms A103S, A54S, A114S.
Identifiers: ClinVar variation 2055169 (VCV002055169.4), dbSNP rs2151028402, ClinGen allele CA394305889.